The following is an entry in ClinVar:

ClinVar aggregate classification (germline): Uncertain significance. Review status: criteria provided, multiple submitters, no conflicts (2 of 4 stars). 2 submissions from 2 submitters: Uncertain significance (2). Last evaluated 2025-07-31.

Conditions:
Inborn genetic diseases. Identifiers: MedGen C0950123, MeSH D030342.

Allele frequency attached by ClinVar (database versions not stated): TOPMed 0.00001; ExAC 0.00011.

Submissions (2):

Labcorp Genetics (formerly Invitae), Labcorp
Classification: Uncertain significance. Last evaluated: 2025-07-31. Review status: criteria provided, single submitter. Criteria: Invitae Variant Classification Sherloc (09022015). Collection method: clinical testing. Allele origin: germline.
Comment: This sequence change replaces alanine, which is neutral and non-polar, with valine, which is neutral and non-polar, at codon 1454 of the DCHS1 protein (p.Ala1454Val). The frequency data for this variant in the population databases is considered unreliable, as metrics indicate poor data quality at this position in the gnomAD database. This variant has not been reported in the literature in individuals affected with DCHS1-related conditions. ClinVar contains an entry for this variant (Variation ID: 2876539). An algorithm developed to predict the effect of missense changes on protein structure and function outputs the following: PolyPhen-2: "Benign". The valine amino acid residue is found in multiple mammalian species, which suggests that this missense change does not adversely affect protein function. In summary, the available evidence is currently insufficient to determine the role of this variant in disease. Therefore, it has been classified as a Variant of Uncertain Significance.

Ambry Genetics
Classification: Uncertain significance for Inborn genetic diseases. Last evaluated: 2024-02-06. Review status: criteria provided, single submitter. Criteria: Ambry Variant Classification Scheme 2023. Collection method: clinical testing. Allele origin: germline.

NM_003737.4(DCHS1):c.4361C>T (p.Ala1454Val)

Gene: DCHS1 (dachsous cadherin-related 1; minus strand). Cytogenetic location: 11p15.4.
Variant type: single nucleotide variant.
Coding change: c.4361C>T on transcript NM_003737.4 (MANE Select); coding-DNA position 4361, C replaced by T.
Protein change: p.Ala1454Val; replaces alanine 1454 with valine.
Molecular consequence: missense variant.
Genome position (GRCh38, 1-based): chr11:6,630,433, G>A on the plus strand (C>T on the coding strand, the complement: DCHS1 is on the minus strand). VCF-style: chr11-6630433-G-A. GRCh37 (hg19) VCF-style: chr11-6651664-G-A.
Other names: c.4361C>T (NM_003737.2); short protein forms A1454V.
Identifiers: ClinVar variation 2876539 (VCV002876539.4), dbSNP rs767988573, ClinGen allele CA5860342.